The following is an entry in ClinVar:

ClinVar aggregate classification (germline): Conflicting classifications of pathogenicity. Review status: criteria provided, conflicting classifications (1 of 4 stars). 5 submissions from 5 submitters: Uncertain significance (4); Benign (1). Last evaluated 2025-09-15.

Conditions:
COL11A1-related disorder. Also called: COL11A1-related disorders; COL11A1-related condition.

Allele frequency attached by ClinVar (database versions not stated): gnomAD exomes 0.00002; ExAC 0.00004; TOPMed 0.00004; gnomAD 0.00005 and 0.00006.
gnomAD v4.1: 29 of 1,609,546 alleles (0.0018%); highest among the groups gnomAD compares: East Asian, 0.016%; 1 homozygote.

Submissions (5):

Labcorp Genetics (formerly Invitae), Labcorp
Classification: Benign. Last evaluated: 2025-09-15. Review status: criteria provided, single submitter. Criteria: Invitae Variant Classification Sherloc (09022015). Collection method: clinical testing. Allele origin: germline.

GeneDx
Classification: Uncertain significance. Last evaluated: 2025-08-26. Review status: criteria provided, single submitter. Criteria: GeneDx Variant Classification Process June 2021. Collection method: clinical testing. Allele origin: germline. Affected: yes.
Comment: Identified in a patient with hearing loss and left superior semicircular canal dehiscence in published literature (PMID: 33924653); In silico analysis supports that this missense variant has a deleterious effect on protein structure/function; This variant is associated with the following publications: (PMID: 32756486, 33924653)

PreventionGenetics, part of Exact Sciences
Classification: Uncertain significance for COL11A1-related condition. Last evaluated: 2025-08-04. Review status: criteria provided, single submitter. Criteria: ACMG Guidelines, 2015. Collection method: clinical testing. Allele origin: germline.
Comment: The COL11A1 c.4328A>C variant is predicted to result in the amino acid substitution p.Lys1443Thr. This variant was reported in two individuals with Stickler syndrome from a single family (Family 31, Huang et al. 2020. PubMed ID: 32756486). This variant was also reported in an individual with hearing loss along with a variant in the TECTA gene, however this TECTA variant is currently classified as suspected benign at PreventionGenetics (Patient ID 8, Santos-Cortez et al. 2021. PubMed ID: 33924653). This variant is reported in 0.026% of alleles in individuals of East Asian descent in gnomAD, which may be higher than expected for causative variant in autosomal dominant disorder. At this time, the clinical significance of this variant is uncertain due to the absence of conclusive functional and genetic evidence.

Women's Health and Genetics/Laboratory Corporation of America, LabCorp
Classification: Uncertain significance. Last evaluated: 2025-04-14. Review status: criteria provided, single submitter. Criteria: LabCorp Variant Classification Summary - May 2015. Collection method: clinical testing. Allele origin: germline.
Comment: Variant summary: COL11A1 c.4328A>C (p.Lys1443Thr) results in a non-conservative amino acid change in the encoded protein sequence. Four of five in-silico tools predict a damaging effect of the variant on protein function. The variant allele was found at a frequency of 1.6e-05 in 246244 control chromosomes. c.4328A>C has been observed in two heterozygous individuals in a family affected with Stickler Syndrome (Huang_2020). This variant has also been observed with a missense variant in the TECTA gene in an individual affected with hearing loss (antos-Cortez_2021). These data indicate that the variant may be associated with disease. To our knowledge, no experimental evidence demonstrating an impact on protein function has been reported. The following publications have been ascertained in the context of this evaluation (PMID: 32756486, 33924653). ClinVar contains an entry for this variant (Variation ID: 1037805). Based on the evidence outlined above, the variant was classified as VUS-possibly pathogenic.

Blueprint Genetics
Classification: Uncertain significance. Last evaluated: 2024-03-22. Review status: criteria provided, single submitter. Criteria: ACMG Guidelines, 2015. Collection method: clinical testing. Allele origin: germline.

Literature cited by the submitters: PubMed 33924653 (cited by Women's Health and Genetics/Laboratory Corporation of America, LabCorp); PubMed 32756486 (cited by Women's Health and Genetics/Laboratory Corporation of America, LabCorp).

NM_001854.4(COL11A1):c.4328A>C (p.Lys1443Thr)

Gene: COL11A1 (collagen type XI alpha 1 chain; minus strand). Cytogenetic location: 1p21.1.
Variant type: single nucleotide variant.
Coding change: c.4328A>C on transcript NM_001854.4 (MANE Select); coding-DNA position 4328, A replaced by C.
Protein change: p.Lys1443Thr; replaces lysine 1443 with threonine.
Molecular consequence: missense variant. On other transcripts: non-coding transcript variant (1).
Genome position (GRCh38, 1-based): chr1:102,890,479, T>G on the plus strand (A>C on the coding strand, the complement: COL11A1 is on the minus strand). VCF-style: chr1-102890479-T-G. GRCh37 (hg19) VCF-style: chr1-103356035-T-G.
Other names: c.4211A>C, p.Lys1404Thr (NM_001190709.2); c.4364A>C, p.Lys1455Thr (NM_080629.3); c.3980A>C, p.Lys1327Thr (NM_080630.4); short protein forms K1455T, K1327T, K1404T, K1443T.
Identifiers: ClinVar variation 1037805 (VCV001037805.18), dbSNP rs769350133, ClinGen allele CA973583.